The following is an entry in ClinVar:

ClinVar aggregate classification (germline): Conflicting classifications of pathogenicity. Review status: criteria provided, conflicting classifications (1 of 4 stars). 12 submissions from 10 submitters: Uncertain significance (1); Likely benign (10). 1 of the submissions does not count toward it. Last evaluated 2026-01-31.

Conditions:
Dyskeratosis congenita, autosomal dominant 2. Identifiers: MedGen C3151443, MONDO:0013521, OMIM 613989.
Idiopathic Pulmonary Fibrosis. Also called: Idiopathic fibrosing alveolitis, chronic form; idiopathic fibrosing alveolitis. Identifiers: Orphanet 2032, MedGen C1800706, MeSH D054990, MONDO:0800504.
Pulmonary fibrosis and/or bone marrow failure, Telomere-related, 1. Also called: PULMONARY FIBROSIS AND/OR BONE MARROW FAILURE SYNDROME, TELOMERE-RELATED, 1. Identifiers: Orphanet 88, MedGen C3553617, MONDO:0013878, OMIM 614742.
TERT-related disorder. Also called: TERT-related disorders; TERT-related condition.
Dyskeratosis congenita. Identifiers: Orphanet 1775, MedGen C0265965, MONDO:0015780.
Acute myeloid leukemia (AML). Also called: Leukemia, acute myeloid, somatic; Leukemia, acute myelogenous, somatic; Acute myeloid leukemia, adult; AML adult; Acute non-lymphocytic leukemia; Acute granulocytic leukemia. Identifiers: Orphanet 519, MedGen C0023467, MeSH D015470, MONDO:0018874, OMIM 601626, HP:0004808. Disease mechanism: Constitutively activated FLT3.
Aplastic anemia. Identifiers: Orphanet 88, MedGen C0002874, MONDO:0015909, OMIM 609135, HP:0001915, Orphanet 182040.

Allele frequency attached by ClinVar (database versions not stated): gnomAD exomes 0.00011 and 0.00023; ExAC 0.00026; 1000 Genomes Project 0.00040; 1000 Genomes Project 30x 0.00062; ESP Exome Variant Server 0.00081; gnomAD 0.00095 and 0.00100; TOPMed 0.00118.
gnomAD v4.1: 311 of 1,591,576 alleles (0.02%); highest among the groups gnomAD compares: African/African-American, 0.37%; 1 homozygote.

Submissions (12):

Labcorp Genetics (formerly Invitae), Labcorp
Classification: Likely benign for Dyskeratosis congenita, autosomal dominant 2; Idiopathic Pulmonary Fibrosis. Last evaluated: 2026-01-31. Review status: criteria provided, single submitter. Criteria: Invitae Variant Classification Sherloc (09022015). Collection method: clinical testing. Allele origin: germline.

Revvity Omics, Revvity
Classification: Uncertain significance. Last evaluated: 2024-11-27. Review status: criteria provided, single submitter. Criteria: ACMG Guidelines, 2015. Collection method: clinical testing. Allele origin: germline.

ARUP Laboratories, Molecular Genetics and Genomics, ARUP Laboratories
Classification: Likely benign. Last evaluated: 2024-06-12. Review status: criteria provided, single submitter. Criteria: ARUP Molecular Germline Variant Investigation Process 2024. Collection method: clinical testing. Allele origin: germline.

Blueprint Genetics
Classification: Likely benign. Last evaluated: 2024-05-31. Review status: criteria provided, single submitter. Criteria: ACMG Guidelines, 2015. Collection method: clinical testing. Allele origin: germline.

KCCC/NGS Laboratory, Kuwait Cancer Control Center
Classification: Likely benign for Acute myeloid leukemia. Last evaluated: 2023-07-07. Review status: criteria provided, single submitter. Criteria: ACMG Guidelines, 2015. Collection method: clinical testing. Allele origin: germline. Affected: yes.

Sema4
Classification: Likely benign for Dyskeratosis congenita. Last evaluated: 2021-01-25. Review status: criteria provided, single submitter. Criteria: Sema4 Curation Guidelines. Collection method: curation. Allele origin: germline.

Genetic Services Laboratory, University of Chicago
Classification: Likely benign. Last evaluated: 2020-12-29. Review status: criteria provided, single submitter. Criteria: ACMG Guidelines, 2015. Collection method: clinical testing. Allele origin: germline. Affected: no.

Ambry Genetics
Classification: Likely benign for Dyskeratosis congenita. Last evaluated: 2018-02-23. Review status: criteria provided, single submitter. Criteria: Ambry Variant Classification Scheme 2023. Collection method: clinical testing. Allele origin: germline.

Illumina Laboratory Services, Illumina
Classification: Likely benign for Dyskeratosis congenita, autosomal dominant 2. Last evaluated: 2017-04-28. Review status: criteria provided, single submitter. Criteria: ICSL Variant Classification Criteria 13 December 2019. Collection method: clinical testing. Allele origin: germline.
Comment: This variant was observed as part of a predisposition screen in an ostensibly healthy population. A literature search was performed for the gene, cDNA change, and amino acid change (where applicable). Publications were found based on this search. The evidence from the literature, in combination with allele frequency data from public databases where available, was sufficient to determine this variant is unlikely to cause disease. Therefore, this variant is classified as likely benign.

Illumina Laboratory Services, Illumina
Classification: Likely benign for Pulmonary fibrosis and/or bone marrow failure, Telomere-related, 1. Last evaluated: 2017-04-28. Review status: criteria provided, single submitter. Criteria: ICSL Variant Classification Criteria 13 December 2019. Collection method: clinical testing. Allele origin: germline.
Comment: the same text as in the submission from Illumina Laboratory Services, Illumina above.

Illumina Laboratory Services, Illumina
Classification: Likely benign for Aplastic anemia. Last evaluated: 2017-04-28. Review status: criteria provided, single submitter. Criteria: ICSL Variant Classification Criteria 13 December 2019. Collection method: clinical testing. Allele origin: germline.
Comment: the same text as in the submission from Illumina Laboratory Services, Illumina above.

PreventionGenetics, part of Exact Sciences
Classification: Likely benign for TERT-related condition. Last evaluated: 2023-04-17. Review status: no assertion criteria provided. Collection method: clinical testing. Allele origin: germline. Not counted in ClinVar's aggregate classification.
Comment: This variant is classified as likely benign based on ACMG/AMP sequence variant interpretation guidelines (Richards et al. 2015 PMID: 25741868, with internal and published modifications).

Literature cited by the submitters: PubMed 25785092 (cited by Illumina Laboratory Services, Illumina); PubMed 23901009 (cited by Illumina Laboratory Services, Illumina).

NM_198253.3(TERT):c.572G>C (p.Ser191Thr)

Gene: TERT (telomerase reverse transcriptase; minus strand). Cytogenetic location: 5p15.33.
Variant type: single nucleotide variant.
Coding change: c.572G>C on transcript NM_198253.3 (MANE Select); coding-DNA position 572, G replaced by C.
Protein change: p.Ser191Thr; replaces serine 191 with threonine.
Molecular consequence: missense variant. On other transcripts: non-coding transcript variant (2).
Genome position (GRCh38, 1-based): chr5:1,294,314, C>G on the plus strand (G>C on the coding strand, the complement: TERT is on the minus strand). VCF-style: chr5-1294314-C-G. GRCh37 (hg19) VCF-style: chr5-1294429-C-G.
Other names: c.572G>C, p.Ser191Thr (NM_001193376.3); short protein forms S191T.
Identifiers: ClinVar variation 350804 (VCV000350804.27), dbSNP rs11952056, ClinGen allele CA3184953.